The following is an entry in ClinVar:

ClinVar aggregate classification (germline): Uncertain significance. Review status: criteria provided, multiple submitters, no conflicts (2 of 4 stars). 2 submissions from 2 submitters: Uncertain significance (2). Last evaluated 2026-01-14.

Conditions:
Neuroblastoma, susceptibility to, 3. Also called: ALK-Related Neuroblastic Tumor Susceptibility. Identifiers: Orphanet 635, MedGen C2751681, MONDO:0013083, OMIM 613014.
Hereditary cancer-predisposing syndrome. Also called: Neoplastic Syndromes, Hereditary; Tumor predisposition; Hereditary Cancer Syndrome; Hereditary neoplastic syndrome. Identifiers: Orphanet 140162, MedGen C0027672, MeSH D009386, MONDO:0015356.

Allele frequency attached by ClinVar (database versions not stated): gnomAD exomes below 0.00001 and 0.00001; gnomAD 0.00001; ExAC 0.00002; TOPMed 0.00004; ESP Exome Variant Server 0.00008.
gnomAD v4.1: 6 of 1,612,782 alleles (0.00037%); highest among the groups gnomAD compares: African/African-American, 0.0027%; no homozygotes.

Submissions (2):

Labcorp Genetics (formerly Invitae), Labcorp
Classification: Uncertain significance for Neuroblastoma, susceptibility to, 3. Last evaluated: 2026-01-14. Review status: criteria provided, single submitter. Criteria: Invitae Variant Classification Sherloc (09022015). Collection method: clinical testing. Allele origin: germline.
Comment: This sequence change replaces alanine, which is neutral and non-polar, with valine, which is neutral and non-polar, at codon 149 of the ALK protein (p.Ala149Val). This variant is present in population databases (rs374276783, gnomAD 0.01%). This variant has not been reported in the literature in individuals affected with ALK-related conditions. ClinVar contains an entry for this variant (Variation ID: 568081). An algorithm developed to predict the effect of missense changes on protein structure and function (PolyPhen-2) suggests that this variant is likely to be tolerated. In summary, the available evidence is currently insufficient to determine the role of this variant in disease. Therefore, it has been classified as a Variant of Uncertain Significance.

Ambry Genetics
Classification: Uncertain significance for Hereditary cancer-predisposing syndrome. Last evaluated: 2024-12-12. Review status: criteria provided, single submitter. Criteria: Ambry Variant Classification Scheme 2023. Collection method: clinical testing. Allele origin: germline.
Comment: The p.A149V variant (also known as c.446C>T), located in coding exon 1 of the ALK gene, results from a C to T substitution at nucleotide position 446. The alanine at codon 149 is replaced by valine, an amino acid with similar properties. This amino acid position is conserved. In addition, this alteration is predicted to be tolerated by in silico analysis. Based on the available evidence, the clinical significance of this variant remains unclear.

NM_004304.5(ALK):c.446C>T (p.Ala149Val)

Gene: ALK (ALK receptor tyrosine kinase; minus strand). Cytogenetic location: 2p23.1.
Variant type: single nucleotide variant.
Coding change: c.446C>T on transcript NM_004304.5 (MANE Select); coding-DNA position 446, C replaced by T.
Protein change: p.Ala149Val; replaces alanine 149 with valine.
Molecular consequence: missense variant.
Genome position (GRCh38, 1-based): chr2:29,920,214, G>A on the plus strand (C>T on the coding strand, the complement: ALK is on the minus strand). VCF-style: chr2-29920214-G-A. GRCh37 (hg19) VCF-style: chr2-30143080-G-A.
Other names: short protein forms A149V.
Identifiers: ClinVar variation 568081 (VCV000568081.9), dbSNP rs374276783, ClinGen allele CA1594970.